The following is an entry in ClinVar:

ClinVar aggregate classification (germline): Uncertain significance (1 of 4 stars; one submission).

Conditions:
Developmental and epileptic encephalopathy, 12 (DEE12). Identifiers: MedGen C3150988, MONDO:0013389, OMIM 613722.

Allele frequency attached by ClinVar (database versions not stated): gnomAD exomes 0.00001; ExAC 0.00002; gnomAD 0.00002 and 0.00003; TOPMed 0.00002; 1000 Genomes Project 30x 0.00016; 1000 Genomes Project 0.00020.
gnomAD v4.1: 31 of 1,614,194 alleles (0.0019%); highest among the groups gnomAD compares: Non-Finnish European, 0.0025%; no homozygotes.

Submission:

Labcorp Genetics (formerly Invitae), Labcorp
Classification: Uncertain significance for Developmental and epileptic encephalopathy, 12. Last evaluated: 2022-08-23. Review status: criteria provided, single submitter. Criteria: Invitae Variant Classification Sherloc (09022015). Collection method: clinical testing. Allele origin: germline.
Comment: In summary, the available evidence is currently insufficient to determine the role of this variant in disease. Therefore, it has been classified as a Variant of Uncertain Significance. Algorithms developed to predict the effect of missense changes on protein structure and function output the following: SIFT: "Tolerated"; PolyPhen-2: "Benign"; Align-GVGD: "Class C0". The histidine amino acid residue is found in multiple mammalian species, which suggests that this missense change does not adversely affect protein function. ClinVar contains an entry for this variant (Variation ID: 958197). This variant has not been reported in the literature in individuals affected with PNKP-related conditions. This variant is present in population databases (rs535302504, gnomAD 0.006%). This sequence change replaces arginine, which is basic and polar, with histidine, which is basic and polar, at codon 105 of the PNKP protein (p.Arg105His).

NM_007254.4(PNKP):c.314G>A (p.Arg105His)

Gene: PNKP (polynucleotide kinase 3'-phosphatase; minus strand). Cytogenetic location: 19q13.33.
Variant type: single nucleotide variant.
Coding change: c.314G>A on transcript NM_007254.4 (MANE Select); coding-DNA position 314, G replaced by A.
Protein change: p.Arg105His; replaces arginine 105 with histidine.
Molecular consequence: missense variant.
Genome position (GRCh38, 1-based): chr19:49,865,311, C>T on the plus strand (G>A on the coding strand, the complement: PNKP is on the minus strand). VCF-style: chr19-49865311-C-T. GRCh37 (hg19) VCF-style: chr19-50368568-C-T.
Other names: short protein forms R105H.
Identifiers: ClinVar variation 958197 (VCV000958197.9), dbSNP rs535302504, ClinGen allele CA9586974.